The following is an entry in ClinVar:

ClinVar aggregate classification (germline): Pathogenic. Review status: criteria provided, multiple submitters, no conflicts (2 of 4 stars). 2 submissions from 2 submitters: Pathogenic (2). Last evaluated 2022-07-19.

Conditions:
Catecholaminergic polymorphic ventricular tachycardia 1. Also called: RYR2-Related Catecholaminergic Polymorphic Ventricular Tachycardia; VENTRICULAR TACHYCARDIA, CATECHOLAMINERGIC POLYMORPHIC, 1, WITH OR WITHOUT ATRIAL DYSFUNCTION AND/OR DILATED CARDIOMYOPATHY; VENTRICULAR TACHYCARDIA, STRESS-INDUCED POLYMORPHIC 1. Identifiers: Orphanet 3286, MedGen C1631597, MONDO:0011484, OMIM 604772.

Submissions (2):

Labcorp Genetics (formerly Invitae), Labcorp
Classification: Pathogenic for Catecholaminergic polymorphic ventricular tachycardia 1. Last evaluated: 2022-07-19. Review status: criteria provided, single submitter. Criteria: Invitae Variant Classification Sherloc (09022015). Collection method: clinical testing. Allele origin: germline.
Comment: This sequence change replaces serine, which is neutral and polar, with arginine, which is basic and polar, at codon 4124 of the RYR2 protein (p.Ser4124Arg). For these reasons, this variant has been classified as Pathogenic. This variant disrupts the p.Ser4124 amino acid residue in RYR2. Other variant(s) that disrupt this residue have been observed in individuals with RYR2-related conditions (PMID: 19330009, 26114861), which suggests that this may be a clinically significant amino acid residue. Advanced modeling of protein sequence and biophysical properties (such as structural, functional, and spatial information, amino acid conservation, physicochemical variation, residue mobility, and thermodynamic stability) performed at Invitae indicates that this missense variant is expected to disrupt RYR2 protein function. ClinVar contains an entry for this variant (Variation ID: 201330). This missense change has been observed in individuals with catecholaminergic polymorphic ventricular tachycardia (PMID: 23595086; Invitae). This variant is not present in population databases (gnomAD no frequency).

GeneDx
Classification: Pathogenic. Last evaluated: 2012-06-05. Review status: criteria provided, single submitter. Criteria: GeneDx Variant Classification (06012015). Collection method: clinical testing. Allele origin: germline. Affected: yes.
Comment: p.Ser4124Arg (AGC>AGA): c.12372 C>A in exon 90 of the RYR2 gene (NM_001035.2). The Ser4124Arg mutation in the RYR2 gene has not been reported previously as a disease-causing mutation, nor as a benign polymorphism, to our knowledge. Ser4124Arg results in a semi-conservative amino acid substitution of a neutral, polar Serine residue with a positively charged Arginine residue. Located in the cytoplasmic I-domain RYR2 mutation hot spot, mutations at the same residue (Ser4124Gly, Ser4124Thr) as well as a nearby residue (Arg4144Cys) have been reported in association with CPVT, supporting the functional importance of this region of the protein. In addition, the NHLBI ESP Exome Variant Server reports Ser4124Arg was not observed in approximately 5,000 samples from individuals of European and African American backgrounds, indicating it is not a common benign variant in these populations. In summary, Ser4124Arg in the RYR2 gene is interpreted to be a likely disease-causing mutation. The variant is found in CPVT panel(s).

Literature cited by the submitters: PubMed 19330009 (cited by Labcorp Genetics (formerly Invitae), Labcorp); PubMed 26114861 (cited by Labcorp Genetics (formerly Invitae), Labcorp); PubMed 23595086 (cited by Labcorp Genetics (formerly Invitae), Labcorp).

NM_001035.3(RYR2):c.12372C>A (p.Ser4124Arg)

Gene: RYR2 (ryanodine receptor 2; plus strand). Cytogenetic location: 1q43.
Variant type: single nucleotide variant.
Coding change: c.12372C>A on transcript NM_001035.3 (MANE Select); coding-DNA position 12372, C replaced by A.
Protein change: p.Ser4124Arg; replaces serine 4124 with arginine.
Molecular consequence: missense variant.
Genome position (GRCh38, 1-based): chr1:237,784,084, C>A. VCF-style: chr1-237784084-C-A. GRCh37 (hg19) VCF-style: chr1-237947384-C-A.
Other names: p.S4124R:AGC>AGA; c.12372C>A, p.Ser4124Arg (LRG_402t1); short protein forms S4124R.
Identifiers: ClinVar variation 201330 (VCV000201330.12), dbSNP rs771994461, ClinGen allele CA007482.